The following is an entry in ClinVar:

NM_025219.3(DNAJC5):c.66G>A (p.Leu22=)

Gene: DNAJC5 (DnaJ heat shock protein family (Hsp40) member C5; plus strand). Cytogenetic location: 20q13.33.
Variant type: single nucleotide variant.
Coding change: c.66G>A on transcript NM_025219.3 (MANE Select); coding-DNA position 66, G replaced by A.
Protein change: p.Leu22=; no amino-acid change (leucine 22 retained).
Molecular consequence: synonymous variant.
Genome position (GRCh38, 1-based): chr20:63,928,411, G>A. VCF-style: chr20-63928411-G-A. GRCh37 (hg19) VCF-style: chr20-62559764-G-A.
Identifiers: ClinVar variation 390639 (VCV000390639.5), dbSNP rs1057523849, ClinGen allele CA16608042.

ClinVar aggregate classification (germline): Likely benign. Review status: criteria provided, multiple submitters, no conflicts (2 of 4 stars). 2 submissions from 2 submitters: Likely benign (2). Last evaluated 2022-08-23.

Conditions:
Neuronal ceroid lipofuscinosis. Also called: Neuronal Ceroid Lipofuscinoses. Identifiers: Orphanet 216, Orphanet 79263, MedGen C0027877, MONDO:0016295. Disease mechanism: loss of function.

Submissions (2):

Labcorp Genetics (formerly Invitae), Labcorp
Classification: Likely benign for Neuronal ceroid lipofuscinosis. Last evaluated: 2022-08-23. Review status: criteria provided, single submitter. Criteria: Invitae Variant Classification Sherloc (09022015). Collection method: clinical testing. Allele origin: germline.

GeneDx
Classification: Likely benign. Last evaluated: 2016-11-04. Review status: criteria provided, single submitter. Criteria: GeneDx Variant Classification (06012015). Collection method: clinical testing. Allele origin: germline. Affected: yes.
Comment: This variant is considered likely benign or benign based on one or more of the following criteria: it is a conservative change, it occurs at a poorly conserved position in the protein, it is predicted to be benign by multiple in silico algorithms, and/or has population frequency not consistent with disease.